The following is an entry in ClinVar:

NM_015271.5(TRIM2):c.1065A>T (p.Thr355=)

Gene: TRIM2 (tripartite motif containing 2; plus strand). Cytogenetic location: 4q31.3.
Variant type: single nucleotide variant.
Coding change: c.1065A>T on transcript NM_015271.5 (MANE Select); coding-DNA position 1065, A replaced by T.
Protein change: p.Thr355=; no amino-acid change (threonine 355 retained).
Molecular consequence: synonymous variant.
Genome position (GRCh38, 1-based): chr4:153,295,591, A>T. VCF-style: chr4-153295591-A-T. GRCh37 (hg19) VCF-style: chr4-154216743-A-T.
Other names: c.984A>T, p.Thr328= (NM_001130067.2, NM_001351056.2, NM_001375512.1 and 5 more transcripts); c.1038A>T, p.Thr346= (NM_001351054.2); c.1035A>T, p.Thr345= (NM_001351055.2); c.609A>T, p.Thr203= (NM_001351057.2); c.1158A>T, p.Thr386= (NM_001375488.1); c.1155A>T, p.Thr385= (NM_001375489.1); c.1008A>T, p.Thr336= (NM_001375490.1); c.1005A>T, p.Thr335= (NM_001375491.1); and 3 more.
Identifiers: ClinVar variation 3896542 (VCV003896542.2).

ClinVar aggregate classification (germline): Likely benign (1 of 4 stars; one submission).

gnomAD v4.1: 1 of 1,613,418 alleles (0.000062%); highest among the groups gnomAD compares: African/African-American, 0.0013%; no homozygotes.

Submission:

Women's Health and Genetics/Laboratory Corporation of America, LabCorp
Classification: Likely benign. Last evaluated: 2025-04-02. Review status: criteria provided, single submitter. Criteria: LabCorp Variant Classification Summary - May 2015. Collection method: clinical testing. Allele origin: germline.
Comment: Variant summary: TRIM2 c.984A>T alters a conserved nucleotide resulting in a synonymous change. Consensus agreement among computation tools predict no significant impact on normal splicing. However, these predictions have yet to be confirmed by functional studies. The variant was absent in 251050 control chromosomes (gnomAD). The available data on variant occurrences in the general population are insufficient to allow any conclusion about variant significance. To our knowledge, no occurrence of c.984A>T in individuals affected with Charcot-Marie-Tooth disease type 2R and no experimental evidence demonstrating its impact on protein function have been reported. No submitters have cited clinical-significance assessments for this variant to ClinVar. Based on the evidence outlined above, the variant was classified as likely benign.